The following is an entry in ClinVar:

ClinVar aggregate classification (germline): Uncertain significance (1 of 4 stars; one submission).

Submission:

GeneDx
Classification: Uncertain significance. Last evaluated: 2024-12-09. Review status: criteria provided, single submitter. Criteria: GeneDx Variant Classification Process June 2021. Collection method: clinical testing. Allele origin: germline. Affected: yes.
Comment: Not observed at significant frequency in large population cohorts (gnomAD); In silico analysis supports that this missense variant has a deleterious effect on protein structure/function; Has not been previously published as pathogenic or benign to our knowledge

NM_002025.4(AFF2):c.73C>G (p.Leu25Val)

Gene: AFF2 (ALF transcription elongation factor 2; plus strand). Cytogenetic location: Xq28.
Variant type: single nucleotide variant.
Coding change: c.73C>G on transcript NM_002025.4 (MANE Select); coding-DNA position 73, C replaced by G.
Protein change: p.Leu25Val; replaces leucine 25 with valine.
Molecular consequence: missense variant.
Genome position (GRCh38, 1-based): chrX:148,652,024, C>G. VCF-style: chrX-148652024-C-G. GRCh37 (hg19) VCF-style: chrX-147733545-C-G.
Other names: c.73C>G, p.Leu25Val (NM_001169122.2, NM_001169123.2, NM_001169124.2 and 1 more transcripts); short protein forms L25V.
Identifiers: ClinVar variation 3902866 (VCV003902866.1).